The following is an entry in ClinVar:

NM_006303.4(AIMP2):c.72_73del (p.Met24fs)

Gene: AIMP2 (aminoacyl tRNA synthetase complex interacting multifunctional protein 2; plus strand). Cytogenetic location: 7p22.1.
Variant type: Deletion.
Coding change: c.72_73del on transcript NM_006303.4 (MANE Select); coding-DNA positions 72 to 73, 2 bases deleted (GT; older notation c.72_73delGT).
Protein change: p.Met24fs; shifts the reading frame from methionine 24.
Molecular consequence: frameshift variant. On other transcripts: 5 prime UTR variant (1), intron variant (3).
Genome position (GRCh38, 1-based): chr7:6,009,435-6,009,436, GT deleted; deleting any 2 consecutive bases within chr7:6,009,434-6,009,436 gives the same sequence; the c. name uses the placement nearest the transcript's 3' end. VCF-style (leftmost placement, unchanged base first): chr7-6009433-ATG-A. GRCh37 (hg19) VCF-style: chr7-6049064-ATG-A.
Other names: c.72_73del, p.Met24fs (NM_001326607.2); c.-249_-248del (NM_001326609.2); c.-238+57_-238+58del (NM_001326611.3); c.-251+57_-251+58del (NM_001326610.2); c.15+57_15+58del (NM_001326606.2); short protein forms M24fs.
Identifiers: ClinVar variation 985778 (VCV000985778.6), dbSNP rs1786357576, ClinGen allele CA1139659974.

ClinVar aggregate classification (germline): Pathogenic/Likely pathogenic. Review status: criteria provided, multiple submitters, no conflicts (2 of 4 stars). 2 submissions from 2 submitters: Pathogenic (1); Likely pathogenic (1). Last evaluated 2022-10-03.

Conditions:
Leukodystrophy, hypomyelinating, 17. Identifiers: MedGen C4693912, MONDO:0054817, OMIM 618006.
Inborn genetic diseases. Identifiers: MedGen C0950123, MeSH D030342.

Submissions (2):

Greenwood Genetic Center Diagnostic Laboratories, Greenwood Genetic Center
Classification: Likely pathogenic for Leukodystrophy, hypomyelinating, 17. Last evaluated: 2022-10-03. Review status: criteria provided, single submitter. Criteria: ACMG Guidelines, 2015. Collection method: clinical testing. Allele origin: germline. Affected: yes.
Comment: PVS1, PM2

Ambry Genetics
Classification: Pathogenic for Inborn genetic diseases. Last evaluated: 2018-05-15. Review status: criteria provided, single submitter. Criteria: Ambry exome assertion method (8-5-2015). Collection method: clinical testing. Allele origin: germline. Affected: yes. Observed: 1 variant allele.